The following is an entry in ClinVar:

NM_005228.5(EGFR):c.3190A>G (p.Ser1064Gly)

Gene: EGFR (epidermal growth factor receptor; plus strand). Cytogenetic location: 7p11.2.
Variant type: single nucleotide variant.
Coding change: c.3190A>G on transcript NM_005228.5 (MANE Select); coding-DNA position 3190, A replaced by G.
Protein change: p.Ser1064Gly; replaces serine 1064 with glycine.
Molecular consequence: missense variant.
Genome position (GRCh38, 1-based): chr7:55,202,544, A>G. VCF-style: chr7-55202544-A-G. GRCh37 (hg19) VCF-style: chr7-55270237-A-G.
Other names: c.3055A>G, p.Ser1019Gly (NM_001346897.2, NM_001346899.2); c.3190A>G, p.Ser1064Gly (NM_001346898.2); c.3031A>G, p.Ser1011Gly (NM_001346900.2); c.2389A>G, p.Ser797Gly (NM_001346941.2); short protein forms S1011G, S1019G, S797G, S1064G.
Identifiers: ClinVar variation 4016756 (VCV004016756.1).
Genomic context (GRCh38, chr7:55,202,544, plus strand): 5'-ACCGGAGTAACCTTCCCTCATTTCCTCCTGCAGCTGCAAAGCTGTCCCATCAAGGAAGAC[A>G]GCTTCTTGCAGCGATACAGCTCAGACCCCACAGGCGCCTTGACTGAGGACAGCATAGACG-3'
Protein context (NP_005219.2, residues 1054-1074): GLQSCPIKED[Ser1064Gly]FLQRYSSDPT

ClinVar aggregate classification (germline): Uncertain significance (1 of 4 stars; one submission).

Conditions:
Hereditary cancer-predisposing syndrome. Also called: Tumor predisposition; Hereditary neoplastic syndrome; Neoplastic Syndromes, Hereditary; Hereditary Cancer Syndrome. Identifiers: Orphanet 140162, MedGen C0027672, MeSH D009386, MONDO:0015356.

gnomAD v4.1: 1 of 1,612,304 alleles (0.000062%); highest among the groups gnomAD compares: Non-Finnish European, 0.000085%; no homozygotes.

Submission:

Ambry Genetics
Classification: Uncertain significance for Hereditary cancer-predisposing syndrome. Last evaluated: 2025-04-24. Review status: criteria provided, single submitter. Criteria: Ambry Variant Classification Scheme 2023. Collection method: clinical testing. Allele origin: germline.
Comment: The p.S1064G variant (also known as c.3190A>G), located in coding exon 27 of the EGFR gene, results from an A to G substitution at nucleotide position 3190. The serine at codon 1064 is replaced by glycine, an amino acid with similar properties. This amino acid position is conserved. In addition, this alteration is predicted to be tolerated by in silico analysis. Based on the available evidence, the clinical significance of this variant remains unclear.